The following is an entry in ClinVar:

ClinVar aggregate classification (germline): Uncertain significance (1 of 4 stars; one submission).

gnomAD v4.1: 2 of 1,549,616 alleles (0.00013%); highest among the groups gnomAD compares: Admixed American, 0.0039%; no homozygotes.

Submission:

Labcorp Genetics (formerly Invitae), Labcorp
Classification: Uncertain significance. Last evaluated: 2022-08-02. Review status: criteria provided, single submitter. Criteria: Invitae Variant Classification Sherloc (09022015). Collection method: clinical testing. Allele origin: germline.
Comment: This variant is present in population databases (no rsID available, gnomAD 0.008%). This variant has not been reported in the literature in individuals affected with FAM20C-related conditions. This sequence change replaces asparagine, which is neutral and polar, with isoleucine, which is neutral and non-polar, at codon 185 of the FAM20C protein (p.Asn185Ile). In summary, the available evidence is currently insufficient to determine the role of this variant in disease. Therefore, it has been classified as a Variant of Uncertain Significance. Algorithms developed to predict the effect of missense changes on protein structure and function are either unavailable or do not agree on the potential impact of this missense change (SIFT: "Deleterious"; PolyPhen-2: "Benign"; Align-GVGD: "Class C0").

NM_020223.4(FAM20C):c.554A>T (p.Asn185Ile)

Gene: FAM20C (FAM20C golgi associated secretory pathway kinase; plus strand). Cytogenetic location: 7p22.3.
Variant type: single nucleotide variant.
Coding change: c.554A>T on transcript NM_020223.4 (MANE Select); coding-DNA position 554, A replaced by T.
Protein change: p.Asn185Ile; replaces asparagine 185 with isoleucine.
Molecular consequence: missense variant.
Genome position (GRCh38, 1-based): chr7:193,753, A>T. VCF-style: chr7-193753-A-T. GRCh37 (hg19) VCF-style: chr7-193753-A-T.
Other names: short protein forms N185I.
Identifiers: ClinVar variation 1713375 (VCV001713375.5), dbSNP rs777240362, ClinGen allele CA366524445.